The following is an entry in ClinVar:

ClinVar aggregate classification (germline): Uncertain significance (1 of 4 stars; one submission).

Submission:

CeGaT Center for Human Genetics Tuebingen
Classification: Uncertain significance. Last evaluated: 2026-01-01. Review status: criteria provided, single submitter. Criteria: CeGaT Center For Human Genetics Tuebingen Variant Classification Criteria Version 2. Collection method: clinical testing. Allele origin: germline. Affected: yes. Observed: 1 variant allele.
Comment: SPEN: PM2, BP4

NM_015001.3(SPEN):c.3001G>C (p.Glu1001Gln)

Gene: SPEN (spen family transcriptional repressor; plus strand). Cytogenetic location: 1p36.13.
Variant type: single nucleotide variant.
Coding change: c.3001G>C on transcript NM_015001.3 (MANE Select); coding-DNA position 3001, G replaced by C.
Protein change: p.Glu1001Gln; replaces glutamic acid 1001 with glutamine.
Molecular consequence: missense variant.
Genome position (GRCh38, 1-based): chr1:15,929,241, G>C. VCF-style: chr1-15929241-G-C. GRCh37 (hg19) VCF-style: chr1-16255736-G-C.
Other names: short protein forms E1001Q.
Identifiers: ClinVar variation 4823034 (VCV004823034.4).